The following is an entry in ClinVar:

ClinVar aggregate classification (germline): Uncertain significance (1 of 4 stars; one submission).

Conditions:
Intellectual developmental disorder, X-linked, syndromic, Claes-Jensen type. Also called: Syndromic X-linked intellectual disability Claes-Jensen type; INTELLECTUAL DEVELOPMENTAL DISORDER, X-LINKED, SYNDROMIC 16; MENTAL RETARDATION, X-LINKED, SYNDROMIC 16. Identifiers: Orphanet 85279, MedGen C1845243, MONDO:0010355, OMIM 300534.

Allele frequency attached by ClinVar (database versions not stated): gnomAD exomes below 0.00001.
gnomAD v4.1: 1 of 1,208,488 alleles (0.000083%); highest among the groups gnomAD compares: East Asian, 0.003%; no homozygotes.

Submission:

MGZ Medical Genetics Center
Classification: Uncertain significance for Intellectual developmental disorder, X-linked, syndromic, Claes-Jensen type. Last evaluated: 2022-08-30. Review status: criteria provided, single submitter. Criteria: ACMG Guidelines, 2015. Collection method: clinical testing. Allele origin: germline. Affected: yes. Observed: 1 variant allele.
Comment: ACMG criteria applied: PM2_SUP, PP2

NM_004187.5(KDM5C):c.2474G>A (p.Cys825Tyr)

Gene: KDM5C (lysine demethylase 5C; minus strand). Cytogenetic location: Xp11.22.
Variant type: single nucleotide variant.
Coding change: c.2474G>A on transcript NM_004187.5 (MANE Select); coding-DNA position 2474, G replaced by A.
Protein change: p.Cys825Tyr; replaces cysteine 825 with tyrosine.
Molecular consequence: missense variant. On other transcripts: non-coding transcript variant (3).
Genome position (GRCh38, 1-based): chrX:53,198,532, C>T on the plus strand (G>A on the coding strand, the complement: KDM5C is on the minus strand). VCF-style: chrX-53198532-C-T. GRCh37 (hg19) VCF-style: chrX-53227714-C-T.
Other names: c.2273G>A, p.Cys758Tyr (NM_001146702.2); c.2471G>A, p.Cys824Tyr (NM_001282622.3, NM_001353979.2, NM_001353982.2); c.2474G>A, p.Cys825Tyr (NM_001353978.3, NM_001353981.2, NM_001353984.2); short protein forms C758Y, C824Y, C825Y.
Identifiers: ClinVar variation 1709022 (VCV001709022.2), dbSNP rs2519413157, ClinGen allele CA413117393.